The following is an entry in ClinVar:

NM_001376.5(DYNC1H1):c.1339A>G (p.Lys447Glu)

Gene: DYNC1H1 (dynein cytoplasmic 1 heavy chain 1; plus strand). Cytogenetic location: 14q32.31.
Variant type: single nucleotide variant.
Coding change: c.1339A>G on transcript NM_001376.5 (MANE Select); coding-DNA position 1339, A replaced by G.
Protein change: p.Lys447Glu; replaces lysine 447 with glutamic acid.
Molecular consequence: missense variant.
Genome position (GRCh38, 1-based): chr14:101,983,487, A>G. VCF-style: chr14-101983487-A-G. GRCh37 (hg19) VCF-style: chr14-102449824-A-G.
Other names: short protein forms K447E.
Identifiers: ClinVar variation 3765665 (VCV003765665.1).

ClinVar aggregate classification (germline): Likely pathogenic (1 of 4 stars; one submission).

Conditions:
DYNC1H1-related disorder. Also called: DYNC1H1-related condition; DYNC1H1-related disorders. Identifiers: MedGen CN381529.

Submission:

Greenwood Genetic Center Diagnostic Laboratories, Greenwood Genetic Center
Classification: Likely pathogenic for DYNC1H1-related disorder. Last evaluated: 2024-09-24. Review status: criteria provided, single submitter. Criteria: ACMG Guidelines, 2015. Collection method: clinical testing. Allele origin: germline. Affected: yes.
Comment: PS2, PM2, PP2